The following is an entry in ClinVar:

NM_152564.5(VPS13B):c.7951A>G (p.Ile2651Val)

Gene: VPS13B (vacuolar protein sorting 13 homolog B; plus strand). Cytogenetic location: 8q22.2.
Variant type: single nucleotide variant.
Coding change: c.7951A>G on transcript NM_152564.5 (MANE Select); coding-DNA position 7951, A replaced by G.
Protein change: p.Ile2651Val; replaces isoleucine 2651 with valine.
Molecular consequence: missense variant.
Genome position (GRCh38, 1-based): chr8:99,809,384, A>G. VCF-style: chr8-99809384-A-G. GRCh37 (hg19) VCF-style: chr8-100821612-A-G.
Other names: c.8026A>G, p.Ile2676Val (NM_017890.5); short protein forms I2651V, I2676V.
Identifiers: ClinVar variation 650545 (VCV000650545.7), dbSNP rs1588732028, ClinGen allele CA371769488.

ClinVar aggregate classification (germline): Uncertain significance (1 of 4 stars; one submission).

Conditions:
Cohen syndrome (COH1). Also called: PEPPER SYNDROME; Cutis verticis gyrata, retinitis pigmentosa, and sensorineural deafness. Identifiers: Orphanet 193, MedGen C0265223, MONDO:0008999, OMIM 216550.

Submission:

Labcorp Genetics (formerly Invitae), Labcorp
Classification: Uncertain significance for Cohen syndrome. Last evaluated: 2018-12-04. Review status: criteria provided, single submitter. Criteria: Invitae Variant Classification Sherloc (09022015). Collection method: clinical testing. Allele origin: germline.
Comment: In summary, the available evidence is currently insufficient to determine the role of this variant in disease. Therefore, it has been classified as a Variant of Uncertain Significance. Algorithms developed to predict the effect of sequence changes on RNA splicing suggest that this variant may create or strengthen a splice site, but this prediction has not been confirmed by published transcriptional studies. Algorithms developed to predict the effect of missense changes on protein structure and function (SIFT, PolyPhen-2, Align-GVGD) all suggest that this variant is likely to be tolerated, but these predictions have not been confirmed by published functional studies and their clinical significance is uncertain. This variant has not been reported in the literature in individuals with VPS13B-related conditions. This variant is not present in population databases (ExAC no frequency). This sequence change replaces isoleucine with valine at codon 2676 of the VPS13B protein (p.Ile2676Val). The isoleucine residue is moderately conserved and there is a small physicochemical difference between isoleucine and valine.